The following is an entry in ClinVar:

ClinVar aggregate classification (germline): Benign/Likely benign. Review status: criteria provided, multiple submitters, no conflicts (2 of 4 stars). 4 submissions from 4 submitters: Benign (1); Likely benign (3). Last evaluated 2025-08-12.

Conditions:
Familial melanoma. Also called: Hereditary melanoma; Hereditary cutaneous melanoma. Identifiers: Orphanet 618, MedGen C1512419, MONDO:0018961.
Melanoma-pancreatic cancer syndrome. Identifiers: Orphanet 404560, MedGen C1838547, MONDO:0011713, OMIM 606719. Disease mechanism: loss of function.
Hereditary cancer-predisposing syndrome. Also called: Neoplastic Syndromes, Hereditary; Tumor predisposition; Hereditary Cancer Syndrome; Hereditary neoplastic syndrome. Identifiers: Orphanet 140162, MedGen C0027672, MeSH D009386, MONDO:0015356.

gnomAD v4.1: 1 of 1,604,010 alleles (0.000062%); no homozygotes.

Submissions (4):

Myriad Genetics, Inc.
Classification: Benign for Melanoma-pancreatic cancer syndrome. Last evaluated: 2025-08-12. Review status: criteria provided, single submitter. Criteria: Myriad Autosomal Dominant, Autosomal Recessive and X-Linked Classification Criteria (2023). Collection method: clinical testing. Allele origin: unknown.
Comment: This variant is considered benign. This variant is a silent/synonymous amino acid change and it is not expected to impact splicing.

Ambry Genetics
Classification: Likely benign for Hereditary cancer-predisposing syndrome. Last evaluated: 2025-02-05. Review status: criteria provided, single submitter. Criteria: Ambry Variant Classification Scheme 2023. Collection method: clinical testing. Allele origin: germline.

Sema4
Classification: Likely benign for Hereditary cancer-predisposing syndrome. Last evaluated: 2022-01-26. Review status: criteria provided, single submitter. Criteria: Sema4 Curation Guidelines. Collection method: curation. Allele origin: germline.

Labcorp Genetics (formerly Invitae), Labcorp
Classification: Likely benign for Familial melanoma. Last evaluated: 2021-11-23. Review status: criteria provided, single submitter. Criteria: Invitae Variant Classification Sherloc (09022015). Collection method: clinical testing. Allele origin: germline.

NM_058195.4(CDKN2A):c.54G>A (p.Pro18=)

Gene: CDKN2A (cyclin dependent kinase inhibitor 2A; minus strand). Cytogenetic location: 9p21.3.
Variant type: single nucleotide variant.
Coding change: c.54G>A on transcript NM_058195.4 (MANE Plus Clinical); coding-DNA position 54, G replaced by A.
Protein change: p.Pro18=; no amino-acid change (proline 18 retained).
Molecular consequence: synonymous variant. On other transcripts: intron variant (1).
Genome position (GRCh38, 1-based): chr9:21,994,278, C>T on the plus strand (G>A on the coding strand, the complement: CDKN2A is on the minus strand). VCF-style: chr9-21994278-C-T. GRCh37 (hg19) VCF-style: chr9-21994277-C-T.
Other names: c.-4+543G>A (NM_001363763.2).
Identifiers: ClinVar variation 1157358 (VCV001157358.7), dbSNP rs1554659233, ClinGen allele CA464100356.